The following is an entry in ClinVar:

ClinVar aggregate classification (germline): Uncertain significance. Review status: criteria provided, multiple submitters, no conflicts (2 of 4 stars). 2 submissions from 2 submitters: Uncertain significance (2). Last evaluated 2025-09-10.

Conditions:
Hereditary cancer-predisposing syndrome. Also called: Hereditary neoplastic syndrome; Neoplastic Syndromes, Hereditary; Tumor predisposition; Hereditary Cancer Syndrome. Identifiers: Orphanet 140162, MedGen C0027672, MeSH D009386, MONDO:0015356.

gnomAD v4.1: 1 of 1,611,384 alleles (0.000062%); highest among the groups gnomAD compares: African/African-American, 0.0013%; no homozygotes.

Submissions (2):

Labcorp Genetics (formerly Invitae), Labcorp
Classification: Uncertain significance. Last evaluated: 2025-09-10. Review status: criteria provided, single submitter. Criteria: Invitae Variant Classification Sherloc (09022015). Collection method: clinical testing. Allele origin: germline.
Comment: This sequence change replaces threonine, which is neutral and polar, with arginine, which is basic and polar, at codon 167 of the NTHL1 protein (p.Thr167Arg). This variant is not present in population databases (gnomAD no frequency). This variant has not been reported in the literature in individuals affected with NTHL1-related conditions. ClinVar contains an entry for this variant (Variation ID: 942075). An algorithm developed to predict the effect of missense changes on protein structure and function (PolyPhen-2) suggests that this variant is likely to be disruptive. In summary, the available evidence is currently insufficient to determine the role of this variant in disease. Therefore, it has been classified as a Variant of Uncertain Significance.

Ambry Genetics
Classification: Uncertain significance for Hereditary cancer-predisposing syndrome. Last evaluated: 2024-08-05. Review status: criteria provided, single submitter. Criteria: Ambry Variant Classification Scheme 2023. Collection method: clinical testing. Allele origin: germline.
Comment: The p.T167R variant (also known as c.500C>G), located in coding exon 3 of the NTHL1 gene, results from a C to G substitution at nucleotide position 500. The threonine at codon 167 is replaced by arginine, an amino acid with similar properties. This amino acid position is conserved. In addition, the in silico prediction for this alteration is inconclusive. Since supporting evidence is limited at this time, the clinical significance of this alteration remains unclear.

NM_002528.7(NTHL1):c.476C>G (p.Thr159Arg)

Gene: NTHL1 (nth like DNA glycosylase 1; minus strand). Cytogenetic location: 16p13.3.
Variant type: single nucleotide variant.
Coding change: c.476C>G on transcript NM_002528.7 (MANE Select); coding-DNA position 476, C replaced by G.
Protein change: p.Thr159Arg; replaces threonine 159 with arginine.
Molecular consequence: missense variant. On other transcripts: intron variant (1).
Genome position (GRCh38, 1-based): chr16:2,044,679, G>C on the plus strand (C>G on the coding strand, the complement: NTHL1 is on the minus strand). VCF-style: chr16-2044679-G-C. GRCh37 (hg19) VCF-style: chr16-2094680-G-C.
Other names: c.146C>G, p.Thr49Arg (NM_001318194.2); c.355-953C>G (NM_001318193.2); short protein forms T159R, T49R.
Identifiers: ClinVar variation 942075 (VCV000942075.13), dbSNP rs968060928, ClinGen allele CA394294200.
Genomic context (GRCh38, chr16:2,044,679, plus strand): 5'-GCAGGGCTCACCCTCCAGAAACCGACGGGGTAGATGAGCTTGCCCAGCGTGGCATCATCT[G>C]TCTGCAGGATGCTGTCCACCGTCAGGCCCCGCGCCCGCAGTCGCTGCATGGCGCCCGCCG-3'
Protein context (NP_002519.2, residues 149-169): RGLTVDSILQ[Thr159Arg]DDATLGKLIY